The following is an entry in ClinVar:

ClinVar aggregate classification (germline): Likely pathogenic. Review status: criteria provided, multiple submitters, no conflicts (2 of 4 stars). 2 submissions from 2 submitters: Likely pathogenic (2). Last evaluated 2015-12-03.

Conditions:
Primary dilated cardiomyopathy (DCM). Also called: Dilated Cardiomyopathy. Identifiers: Orphanet 217604, MedGen C0007193, MeSH D002311, MONDO:0005021, HP:0001644. Inheritance: Various modes of inheritance.
Cardiomyopathy (CMYO). Also called: Cardiomyopathies. Identifiers: Orphanet 167848, MedGen C0878544, MONDO:0004994, HP:0001638. Inheritance: Various modes of inheritance.

Submissions (2):

CHEO Genetics Diagnostic Laboratory, Children's Hospital of Eastern Ontario
Classification: Likely pathogenic for Cardiomyopathy. Last evaluated: 2015-12-03. Review status: criteria provided, single submitter. Criteria: ACMG Guidelines, 2015. Collection method: clinical testing. Allele origin: germline. Study: Canadian Open Genetics Repository.

Laboratory for Molecular Medicine, Mass General Brigham Personalized Medicine
Classification: Likely pathogenic for Primary dilated cardiomyopathy. Last evaluated: 2015-03-11. Review status: criteria provided, single submitter. Criteria: LMM Criteria. Collection method: clinical testing. Allele origin: germline. Inheritance: Autosomal dominant inheritance. Observed: 3 variant alleles.
Comment: It was absent from large population studies. This variant is predicted to cause a frame shift, which alters the protein?s amino acid sequence beginning at position 1756 6 and leads to a premature termination codon 9 amino acids downstream. This alte ration is then predicted to lead to a truncated or absent protein. Frameshift an d other truncating variants in TTN are strongly associated with DCM, particularl y if they are located in the exons encoding for the A-band region of the protein (Herman 2012, Pugh 2014), where this variant is located. In summary, although a dditional studies are required to fully establish its clinical significance, the p.Ser17566fs variant is likely pathogenic.

NM_001267550.2(TTN):c.60399del (p.Ser20134fs)

Genes: TTN (titin; minus strand), TTN-AS1 (TTN antisense RNA 1; plus strand). Cytogenetic location: 2q31.2.
Variant type: Deletion.
Coding change: c.60399del on transcript NM_001267550.2 (MANE Select); coding-DNA position 60399, one base deleted (A; older notation c.60399delA).
Protein change: p.Ser20134fs; shifts the reading frame from serine 20134.
Molecular consequence: frameshift variant.
Genome position (GRCh38, 1-based): chr2:178,591,326, T deleted on the plus strand (A on the coding strand, the reverse complement: TTN is on the minus strand). VCF-style (leftmost placement, unchanged base first): chr2-178591325-AT-A. GRCh37 (hg19) VCF-style: chr2-179456052-AT-A.
Other names: c.52695delA (NM_133378.4); c.55476del, p.Ser18493fs (NM_001256850.1); c.33204del, p.Ser11069fs (NM_003319.4); c.52695del, p.Ser17566fs (NM_133378.4); c.33579del, p.Ser11194fs (NM_133432.3); c.33780del, p.Ser11261fs (NM_133437.4); short protein forms S17566fs, S11194fs, S11261fs, S18493fs, S20134fs, S11069fs.
Identifiers: ClinVar variation 178819 (VCV000178819.7), dbSNP rs727504466, ClinGen allele CA273556.
Genomic context (GRCh38, chr2:178,591,325, plus strand): 5'-AAACTGTGATTTGATATTCCCCAGTGTCTCTCCTTAAGCAGTTCTTAATGGTAAGTACTG[AT>A]GAGAAGTTGTCTGTTTCAACTGTGTAGTGCTCATCGGTTTTAATCTCACTCCCATCGGTT-3'